The following is an entry in ClinVar:

ClinVar aggregate classification (germline): Benign/Likely benign. Review status: criteria provided, multiple submitters, no conflicts (2 of 4 stars). 22 submissions from 21 submitters: Benign (11); Likely benign (7). 4 of the submissions do not count toward it. Last evaluated 2026-07-01.

Conditions:
Microcephaly, normal intelligence and immunodeficiency (NBS). Also called: IMMUNODEFICIENCY, MICROCEPHALY, AND CHROMOSOMAL INSTABILITY; BERLIN BREAKAGE SYNDROME; Immunodeficiency, microcephaly with normal intelligence; SEEMANOVA SYNDROME II; Nijmegen breakage syndrome; Microcephaly with normal intelligence immunodeficiency and lymphoreticular malignancies. Identifiers: Orphanet 647, MedGen C0398791, MONDO:0009623, OMIM 251260.
Acute lymphoid leukemia (ALL). Also called: Lymphoblastic leukemia; Leukemia, acute lymphoblastic, somatic; Acute lymphoblastic leukemia; Acute lymphocytic leukemia. Identifiers: Orphanet 513, MedGen C0023449, MONDO:0004967, OMIM 613065, HP:0006721.
Aplastic anemia. Identifiers: Orphanet 182040, Orphanet 88, MedGen C0002874, MONDO:0015909, OMIM 609135, HP:0001915.
Hereditary cancer-predisposing syndrome. Also called: Neoplastic Syndromes, Hereditary; Tumor predisposition; Hereditary neoplastic syndrome; Hereditary Cancer Syndrome. Identifiers: Orphanet 140162, MedGen C0027672, MeSH D009386, MONDO:0015356.

Allele frequency attached by ClinVar (database versions not stated): 1000 Genomes Project 30x 0.00203; 1000 Genomes Project 0.00220; gnomAD 0.00266 and 0.00277; TOPMed 0.00266; gnomAD exomes 0.00317; ExAC 0.00322; ESP Exome Variant Server 0.00361.
gnomAD v4.1: 7,229 of 1,612,660 alleles (0.45%); highest among the groups gnomAD compares: South Asian, 0.64%; 30 homozygotes.

Submissions (22):

CeGaT Center for Human Genetics Tuebingen
Classification: Likely benign. Last evaluated: 2026-07-01. Review status: criteria provided, single submitter. Criteria: CeGaT Center For Human Genetics Tuebingen Variant Classification Criteria Version 2. Collection method: clinical testing. Allele origin: germline. Affected: yes. Observed: 31 variant alleles.
Comment: NBN: BP4, BS2

Labcorp Genetics (formerly Invitae), Labcorp
Classification: Benign for Microcephaly, normal intelligence and immunodeficiency. Last evaluated: 2026-02-01. Review status: criteria provided, single submitter. Criteria: Invitae Variant Classification Sherloc (09022015). Collection method: clinical testing. Allele origin: germline.

Mayo Clinic Laboratories, Mayo Clinic
Classification: Benign. Last evaluated: 2025-12-02. Review status: criteria provided, single submitter. Criteria: ACMG Guidelines, 2015. Collection method: clinical testing. Allele origin: germline. Observed: 3 variant alleles.
Comment: BS1, BS2, BP4, BP7

ARUP Laboratories, Molecular Genetics and Genomics, ARUP Laboratories
Classification: Likely benign. Last evaluated: 2025-07-21. Review status: criteria provided, single submitter. Criteria: ARUP Molecular Germline Variant Investigation Process 2024. Collection method: clinical testing. Allele origin: germline.

KCCC/NGS Laboratory, Kuwait Cancer Control Center
Classification: Benign for Microcephaly, normal intelligence and immunodeficiency. Last evaluated: 2025-02-01. Review status: criteria provided, single submitter. Criteria: ACMG Guidelines, 2015. Collection method: clinical testing. Allele origin: germline. Affected: no.

KCCC/NGS Laboratory, Kuwait Cancer Control Center
Classification: Benign for Acute lymphoid leukemia. Last evaluated: 2023-07-07. Review status: criteria provided, single submitter. Criteria: ACMG Guidelines, 2015. Collection method: clinical testing. Allele origin: germline. Affected: yes.

Quest Diagnostics Nichols Institute San Juan Capistrano
Classification: Benign. Last evaluated: 2022-11-15. Review status: criteria provided, single submitter. Criteria: Quest Diagnostics criteria. Collection method: clinical testing. Allele origin: unknown.

Fulgent Genetics
Classification: Benign for Microcephaly, normal intelligence and immunodeficiency; Aplastic anemia; Acute lymphoid leukemia. Last evaluated: 2021-12-23. Review status: criteria provided, single submitter. Criteria: ACMG Guidelines, 2015. Collection method: clinical testing. Allele origin: unknown.

Genetic Services Laboratory, University of Chicago
Classification: Benign. Last evaluated: 2021-05-27. Review status: criteria provided, single submitter. Criteria: ACMG Guidelines, 2015. Collection method: clinical testing. Allele origin: germline. Affected: no.

Sema4
Classification: Benign for Hereditary cancer-predisposing syndrome. Last evaluated: 2020-03-23. Review status: criteria provided, single submitter. Criteria: Sema4 Curation Guidelines. Collection method: curation. Allele origin: germline.

Mendelics
Classification: Likely benign for Microcephaly, normal intelligence and immunodeficiency. Last evaluated: 2019-05-28. Review status: criteria provided, single submitter. Criteria: Mendelics Assertion Criteria 2017. Collection method: clinical testing. Allele origin: unknown.

Illumina Laboratory Services, Illumina
Classification: Likely benign for Microcephaly, normal intelligence and immunodeficiency. Last evaluated: 2018-01-12. Review status: criteria provided, single submitter. Criteria: ICSL Variant Classification Criteria 13 December 2019. Collection method: clinical testing. Allele origin: germline.
Comment: This variant was observed in the ICSL laboratory as part of a predisposition screen in an ostensibly healthy population. It had not been previously curated by ICSL or reported in the Human Gene Mutation Database (HGMD: prior to June 1st, 2018), and was therefore a candidate for classification through an automated scoring system. Utilizing variant allele frequency, disease prevalence and penetrance estimates, and inheritance mode, an automated score was calculated to assess if this variant is too frequent to cause the disease. Based on the score and internal cut-off values, a variant classified as likely benign is not then subjected to further curation. The score for this variant resulted in a classification of likely benign for this disease.

PreventionGenetics, part of Exact Sciences
Classification: Benign. Last evaluated: 2017-02-27. Review status: criteria provided, single submitter. Criteria: ACMG Guidelines, 2015. Collection method: clinical testing. Allele origin: germline.

Laboratory for Molecular Medicine, Mass General Brigham Personalized Medicine
Classification: Likely benign. Last evaluated: 2016-03-28. Review status: criteria provided, single submitter. Criteria: LMM Criteria. Collection method: clinical testing. Allele origin: germline.
Comment: Variant identified in a genome or exome case(s) and assessed due to predicted null impact of the variant or pathogenic assertions in the literature or databases. Disclaimer: This variant has not undergone full assessment. The following are preliminary notes: Multiple assertions in clinvar as benign for hereditary cancer predisposing syndrome and microcephaly with normal intelligence and immunodeficiency

Eurofins Ntd Llc (ga)
Classification: Benign. Last evaluated: 2015-03-30. Review status: criteria provided, single submitter. Criteria: EGL Classification Definitions 2015. Collection method: clinical testing. Allele origin: germline.

Ambry Genetics
Classification: Likely benign for Hereditary cancer-predisposing syndrome. Last evaluated: 2014-07-01. Review status: criteria provided, single submitter. Criteria: Ambry Variant Classification Scheme 2023. Collection method: clinical testing. Allele origin: germline.

GeneDx
Classification: Benign. Last evaluated: 2013-10-24. Review status: criteria provided, single submitter. Criteria: GeneDx Variant Classification (06012015). Collection method: clinical testing. Allele origin: germline. Affected: yes.
Comment: This variant is considered likely benign or benign based on one or more of the following criteria: it is a conservative change, it occurs at a poorly conserved position in the protein, it is predicted to be benign by multiple in silico algorithms, and/or has population frequency not consistent with disease.

Breakthrough Genomics
Classification: Likely benign. Review status: criteria provided, single submitter. Criteria: ACMG Guidelines, 2015. Collection method: not provided. Allele origin: germline. Inheritance: Autosomal recessive inheritance. Affected: yes.

Institute for Biomarker Research, Medical Diagnostic Laboratories, L.L.C.
Classification: Likely benign for Hereditary cancer-predisposing syndrome. Last evaluated: 2021-09-27. Review status: no assertion criteria provided. Collection method: clinical testing. Allele origin: germline. Not counted in ClinVar's aggregate classification.

True Health Diagnostics
Classification: Likely benign for Hereditary cancer-predisposing syndrome. Last evaluated: 2017-09-21. Review status: no assertion criteria provided. Collection method: clinical testing. Allele origin: germline. Not counted in ClinVar's aggregate classification.

Department of Pathology and Laboratory Medicine, Sinai Health System
Classification: Likely benign. Review status: no assertion criteria provided. Collection method: clinical testing. Allele origin: unknown. Affected: yes. Observed: 22 variant alleles. Study: The Canadian Open Genetics Repository (COGR). Not counted in ClinVar's aggregate classification.
Comment: The NBN p.Ala127Ala variant was identified in 1 of 194 proband chromosomes (frequency: 0.005) from French Canadian individuals or families non BRCA1/2 breast cancer and was not identified in 144 control chromosomes from healthy individuals (Desjardins 2009). The variant was also identified in dbSNP (ID: rs61754795) â€šÃ„ÃºWith other alleleâ€šÃ„Ã¹, ClinVar (classified benign by GeneDx, EGL Genetic Diagnostics (Eurofins Clinical Diagnsotics), Color Genomics Inc, Invitae; likely benign by Ambry Genetics and Lab for Molecular Medicine (Partners HealthCare Personalized Medicine); and classification not provided by Harris Lab (U of Minnesota)), Clinvitae (4x), and was not identified in Cosmic, LOVD 3.0, Zhejiang Colon Cancer Database. The variant was identified in control databases in 858 (4 homozygous) of 276910 chromosomes at a frequency of 0.003 increasing the likelihood this could be a low frequency benign variant (Genome Aggregation Consortium Feb 27, 2017), being identified in the following populations: African in 26 of 24026 chromosomes (frequency: 0.001), Other in 16 of 6456 chromosomes (frequency: 0.002), Latino in 54 of 34414 chromosomes (frequency: 0.002), European Non-Finnish in 499 of 126588 chromosomes (frequency: 0.004), European Finnish in 20 of 25630 chromosomes (frequency: 0.0008), Ashkenazi Jewish in 4 of 10150 chromosomes (frequency: 0.0004), and South Asian in 239 (4 homozygotes) of 30782 chromosomes (frequency: 0.008). The p.Ala127= variant is not expected to have clinical significance because it does not result in a change of amino acid and is not located in a known consensus splice site. In addition, in silico or computational prediction software programs (SpliceSiteFinder, MaxEntScan, NNSPLICE, GeneSplicer, HumanSpliceFinder) do not predict a difference in splicing. In summary, based on the above information the clinical significance of this variant cannot be determined with certainty at this time although we would lean towards a more benign role for this variant. This variant is classified as likely benign.

Harris Lab, University of Minnesota
No classification provided. Review status: no classification provided. Collection method: not provided. Allele origin: unknown. Not counted in ClinVar's aggregate classification.

Literature cited by the submitters: PubMed 12353271 (cited by Quest Diagnostics Nichols Institute San Juan Capistrano); PubMed 19523210 (cited by Quest Diagnostics Nichols Institute San Juan Capistrano); PubMed 22864661 (cited by Quest Diagnostics Nichols Institute San Juan Capistrano).

NM_002485.5(NBN):c.381T>C (p.Ala127=)

Gene: NBN (nibrin; minus strand). Cytogenetic location: 8q21.3.
Variant type: single nucleotide variant.
Coding change: c.381T>C on transcript NM_002485.5 (MANE Select); coding-DNA position 381, T replaced by C.
Protein change: p.Ala127=; no amino-acid change (alanine 127 retained).
Molecular consequence: synonymous variant.
Genome position (GRCh38, 1-based): chr8:89,980,833, A>G on the plus strand (T>C on the coding strand, the complement: NBN is on the minus strand). VCF-style: chr8-89980833-A-G. GRCh37 (hg19) VCF-style: chr8-90993061-A-G.
Other names: p.A127A:GCT>GCC; p.Ala127=; c.135T>C, p.Ala45= (NM_001024688.3).
Identifiers: ClinVar variation 132744 (VCV000132744.89), dbSNP rs61754795, ClinGen allele CA202746.
Genomic context (GRCh38, chr8:89,980,833, plus strand): 5'-GCATTCTTCTGTCCAATTGTTTACAGTAAATCCTCCAAGTTGCAATATAGCTTGATTTAA[A>G]GCAGTTTTCCCAGAGACATCTAAACAAGAAGAGCATGCAACCAAAGGCTCATACTCTATT-3'
Protein context (NP_002476.2, residues 117-137): SSCLDVSGKT[Ala127=]LNQAILQLGG